The following is an entry in ClinVar:

NM_002506.3(NGF):c.283C>T (p.Arg95Cys)

Genes: NGF (nerve growth factor; minus strand), NGF-AS1 (NGF antisense RNA 1; plus strand). Cytogenetic location: 1p13.2.
Variant type: single nucleotide variant.
Coding change: c.283C>T on transcript NM_002506.3 (MANE Select); coding-DNA position 283, C replaced by T.
Protein change: p.Arg95Cys; replaces arginine 95 with cysteine.
Molecular consequence: missense variant.
Genome position (GRCh38, 1-based): chr1:115,286,513, G>A on the plus strand (C>T on the coding strand, the complement: NGF is on the minus strand). VCF-style: chr1-115286513-G-A. GRCh37 (hg19) VCF-style: chr1-115829134-G-A.
Other names: short protein forms R95C.
Identifiers: ClinVar variation 1468517 (VCV001468517.8), dbSNP rs771270154, ClinGen allele CA1023002.
Genomic context (GRCh38, chr1:115,286,513, plus strand): 5'-TGTTGAAGGGGGCAGCACCACCGACCTCGAAGTCCAGATCCTGAGTGTCTGCAGCTTCAC[G>A]GGGAGGCTGGGTGCTAAACAGCACACGGGGTGAACGGAGTCGCCGCTTTTTAAACAGCCT-3'
Protein context (NP_002497.2, residues 85-105): PRVLFSTQPP[Arg95Cys]EAADTQDLDF

ClinVar aggregate classification (germline): Uncertain significance. Review status: criteria provided, multiple submitters, no conflicts (2 of 4 stars). 3 submissions from 3 submitters: Uncertain significance (3). Last evaluated 2025-02-12.

Conditions:
Congenital sensory neuropathy with selective loss of small myelinated fibers (HSAN5). Also called: HSAN Type V. Identifiers: Orphanet 64752, MedGen C0020075, MONDO:0012092, OMIM 608654.
Inborn genetic diseases. Identifiers: MedGen C0950123, MeSH D030342.

Allele frequency attached by ClinVar (database versions not stated): ExAC 0.00002.
gnomAD v4.1: 55 of 1,614,160 alleles (0.0034%); highest among the groups gnomAD compares: East Asian, 0.096%; no homozygotes.

Submissions (3):

Ambry Genetics
Classification: Uncertain significance for Inborn genetic diseases. Last evaluated: 2025-02-12. Review status: criteria provided, single submitter. Criteria: Ambry Variant Classification Scheme 2023. Collection method: clinical testing. Allele origin: germline.

Labcorp Genetics (formerly Invitae), Labcorp
Classification: Uncertain significance for Congenital sensory neuropathy with selective loss of small myelinated fibers. Last evaluated: 2023-11-27. Review status: criteria provided, single submitter. Criteria: Invitae Variant Classification Sherloc (09022015). Collection method: clinical testing. Allele origin: germline.
Comment: This sequence change replaces arginine, which is basic and polar, with cysteine, which is neutral and slightly polar, at codon 95 of the NGF protein (p.Arg95Cys). This variant is present in population databases (rs771270154, gnomAD 0.08%). This variant has not been reported in the literature in individuals affected with NGF-related conditions. ClinVar contains an entry for this variant (Variation ID: 1468517). Advanced modeling of protein sequence and biophysical properties (such as structural, functional, and spatial information, amino acid conservation, physicochemical variation, residue mobility, and thermodynamic stability) performed at Invitae indicates that this missense variant is not expected to disrupt NGF protein function with a negative predictive value of 80%. In summary, the available evidence is currently insufficient to determine the role of this variant in disease. Therefore, it has been classified as a Variant of Uncertain Significance.

Genome-Nilou Lab
Classification: Uncertain significance for Congenital sensory neuropathy with selective loss of small myelinated fibers. Last evaluated: 2023-04-11. Review status: criteria provided, single submitter. Criteria: ACMG Guidelines, 2015. Collection method: clinical testing. Allele origin: germline. Affected: no.